The following is an entry in ClinVar:

NM_053013.4(ENO3):c.463G>A (p.Gly155Arg)

Gene: ENO3 (enolase 3; plus strand). Cytogenetic location: 17p13.2.
Variant type: single nucleotide variant.
Coding change: c.463G>A on transcript NM_053013.4 (MANE Select); coding-DNA position 463, G replaced by A.
Protein change: p.Gly155Arg; replaces glycine 155 with arginine.
Molecular consequence: missense variant.
Genome position (GRCh38, 1-based): chr17:4,955,093, G>A. VCF-style: chr17-4955093-G-A. GRCh37 (hg19) VCF-style: chr17-4858388-G-A.
Other names: c.334G>A, p.Gly112Arg (NM_001193503.2); c.463G>A, p.Gly155Arg (NM_001374523.1, NM_001976.5); c.490G>A, p.Gly164Arg (NM_001374524.1); c.463G>A (NM_053013.3); short protein forms G112R, G155R, G164R.
Identifiers: ClinVar variation 4078574 (VCV004078574.3).
Genomic context (GRCh38, chr17:4,955,093, plus strand): 5'-TCATGCCCCGGCCCAGGTCCAGACACCCTCTCCCCATCTCAGGCCTTCAATGTGATCAAC[G>A]GGGGCTCCCATGCTGGAAACAAGCTGGCCATGCAGGAGTTCATGATTCTGCCTGTGGGAG-3'
Protein context (NP_443739.3, residues 145-165): LPVPAFNVIN[Gly155Arg]GSHAGNKLAM

ClinVar aggregate classification (germline): Uncertain significance. Review status: criteria provided, multiple submitters, no conflicts (2 of 4 stars). 3 submissions from 3 submitters: Uncertain significance (3). Last evaluated 2026-05-08.

Conditions:
ENO3-related disorder. Also called: ENO3-related condition.
Glycogen storage disease due to muscle beta-enolase deficiency (GSD13). Also called: Glycogen Storage Disease Type XIII; ENOLASE 3 DEFICIENCY; ENOLASE-BETA DEFICIENCY; GSD XIII. Identifiers: Orphanet 99849, MedGen C2752027, MONDO:0013046, OMIM 612932.

gnomAD v4.1: 32 of 1,605,616 alleles (0.002%); highest among the groups gnomAD compares: East Asian, 0.023%; no homozygotes.

Submissions (3):

PreventionGenetics, part of Exact Sciences
Classification: Uncertain significance for ENO3-related condition. Last evaluated: 2026-05-08. Review status: criteria provided, single submitter. Criteria: ACMG Guidelines, 2015. Collection method: clinical testing. Allele origin: germline.
Comment: The ENO3 c.463G>A variant is predicted to result in the amino acid substitution p.Gly155Arg. This variant has been reported in an individual with a neurodevelopmental disorder; however, no additional support for pathogenicity was provided (Supp. Table 5, Wang et al. 2020. PubMed ID: 33004838). This variant is reported in 0.0033% of alleles in individuals of South Asian descent in gnomAD. At this time, the clinical significance of this variant is uncertain due to the absence of conclusive functional and genetic evidence.

Labcorp Genetics (formerly Invitae), Labcorp
Classification: Uncertain significance for Glycogen storage disease due to muscle beta-enolase deficiency. Last evaluated: 2025-10-23. Review status: criteria provided, single submitter. Criteria: Invitae Variant Classification Sherloc (09022015). Collection method: clinical testing. Allele origin: germline.
Comment: This sequence change replaces glycine, which is neutral and non-polar, with arginine, which is basic and polar, at codon 155 of the ENO3 protein (p.Gly155Arg). This variant is present in population databases (rs756582618, gnomAD 0.003%). This missense change has been observed in individual(s) with neurodevelopmental disorders (PMID: 33004838). ClinVar contains an entry for this variant (Variation ID: 4078574). Invitae Evidence Modeling of protein sequence and biophysical properties (such as structural, functional, and spatial information, amino acid conservation, physicochemical variation, residue mobility, and thermodynamic stability) indicates that this missense variant is expected to disrupt ENO3 protein function with a positive predictive value of 80%. Algorithms developed to predict the effect of sequence changes on RNA splicing suggest that this variant may disrupt the consensus splice site. In summary, the available evidence is currently insufficient to determine the role of this variant in disease. Therefore, it has been classified as a Variant of Uncertain Significance.

Revvity Omics, Revvity
Classification: Uncertain significance for Glycogen storage disease due to muscle beta-enolase deficiency. Last evaluated: 2024-11-13. Review status: criteria provided, single submitter. Criteria: ACMG Guidelines, 2015. Collection method: clinical testing. Allele origin: germline.

Literature cited by the submitters: PubMed 33004838 (cited by Labcorp Genetics (formerly Invitae), Labcorp).